The following is an entry in ClinVar:

ClinVar aggregate classification (germline): Uncertain significance (1 of 4 stars; one submission).

Conditions:
FANCA-related disorder. Also called: FANCA-related condition.

Submission:

PreventionGenetics, part of Exact Sciences
Classification: Uncertain significance for FANCA-related condition. Last evaluated: 2026-06-10. Review status: criteria provided, single submitter. Criteria: ACMG Guidelines, 2015. Collection method: clinical testing. Allele origin: germline.
Comment: The FANCA c.3874_3876delCTC variant is predicted to result in an in-frame deletion (p.Leu1292del). To our knowledge, this variant has not been reported in the literature or in a large population database (gnomAD), indicating this variant is rare. At this time, the clinical significance of this variant is uncertain due to the absence of conclusive functional and genetic evidence.

NM_000135.4(FANCA):c.3874_3876del (p.Leu1292del)

Genes: FANCA (FA complementation group A; minus strand), ZNF276 (zinc finger protein 276; plus strand). Cytogenetic location: 16q24.3.
Variant type: Deletion.
Coding change: c.3874_3876del on transcript NM_000135.4 (MANE Select); coding-DNA positions 3874 to 3876, 3 bases deleted (CTC; older notation c.3874_3876delCTC).
Protein change: p.Leu1292del; deletes leucine 1292.
Molecular consequence: inframe deletion. On other transcripts: inframe indel (1), 3 prime UTR variant (2), non-coding transcript variant (4).
Genome position (GRCh38, 1-based): chr16:89,740,052-89,740,054, GAG deleted on the plus strand (CTC on the coding strand, the reverse complement: FANCA is on the minus strand); deleting any 3 consecutive bases within chr16:89,740,052-89,740,056 gives the same sequence; the c. name uses the placement nearest the transcript's 3' end. VCF-style (leftmost placement, unchanged base first): chr16-89740051-CGAG-C. GRCh37 (hg19) VCF-style: chr16-89806459-CGAG-C.
Other names: c.3874_3876delCTC (NM_000135.2); c.3874_3876del, p.Leu1292del (NM_001286167.3); c.*1808_*1810del (NM_001113525.2, NM_152287.4); short protein forms L1292del.
Identifiers: ClinVar variation 4994118 (VCV004994118.1).
Genomic context (GRCh38, chr16:89,740,051, plus strand): 5'-TACCACTCTCTGTCAACTGAAAGAGTGCCAGCCAGGATATCTTCCTCTTCTCTAAACACT[CGAG>C]GATTGCTGCACAAACGTGGAAAGCCTTTGGCAGGTCTGTGGTGCTCTGTAAACCGCAGGA-3'